The following is an entry in ClinVar:

ClinVar aggregate classification (germline): Benign/Likely benign. Review status: criteria provided, multiple submitters, no conflicts (2 of 4 stars). 7 submissions from 7 submitters: Benign (6); Likely benign (1). Last evaluated 2026-01-26.

Conditions:
Oculotrichoanal syndrome (MOTA). Also called: MARLES SYNDROME; Manitoba Oculotrichoanal (MOTA) Syndrome. Identifiers: Orphanet 2717, MedGen C1855425, MONDO:0009560, OMIM 248450.

Allele frequency attached by ClinVar (database versions not stated): ESP Exome Variant Server 0.00112; gnomAD 0.00551; TOPMed 0.01059; ExAC 0.01132; gnomAD exomes 0.01230; 1000 Genomes Project 30x 0.01983; 1000 Genomes Project 0.02157.
gnomAD v4.1: 8,245 of 1,613,874 alleles (0.51%); highest among the groups gnomAD compares: East Asian, 12%; 359 homozygotes.

Submissions (7):

Labcorp Genetics (formerly Invitae), Labcorp
Classification: Benign. Last evaluated: 2026-01-26. Review status: criteria provided, single submitter. Criteria: Invitae Variant Classification Sherloc (09022015). Collection method: clinical testing. Allele origin: germline.

Blueprint Genetics
Classification: Likely benign. Last evaluated: 2024-11-21. Review status: criteria provided, single submitter. Criteria: ACMG Guidelines, 2015. Collection method: clinical testing. Allele origin: germline.

Mayo Clinic Laboratories, Mayo Clinic
Classification: Benign. Last evaluated: 2023-04-03. Review status: criteria provided, single submitter. Criteria: ACMG Guidelines, 2015. Collection method: clinical testing. Allele origin: germline. Observed: 2 variant alleles.

GeneDx
Classification: Benign. Last evaluated: 2021-05-05. Review status: criteria provided, single submitter. Criteria: GeneDx Variant Classification Process June 2021. Collection method: clinical testing. Allele origin: germline. Affected: yes.

Illumina Laboratory Services, Illumina
Classification: Benign for Oculotrichoanal syndrome. Last evaluated: 2018-01-13. Review status: criteria provided, single submitter. Criteria: ICSL Variant Classification Criteria 13 December 2019. Collection method: clinical testing. Allele origin: germline.
Comment: This variant was observed in the ICSL laboratory as part of a predisposition screen in an ostensibly healthy population. It had not been previously curated by ICSL or reported in the Human Gene Mutation Database (HGMD: prior to June 1st, 2018), and was therefore a candidate for classification through an automated scoring system. Utilizing variant allele frequency, disease prevalence and penetrance estimates, and inheritance mode, an automated score was calculated to assess if this variant is too frequent to cause the disease. Based on the score and internal cut-off values, a variant classified as benign is not then subjected to further curation. The score for this variant resulted in a classification of benign for this disease.

Eurofins Ntd Llc (ga)
Classification: Benign. Last evaluated: 2015-06-26. Review status: criteria provided, single submitter. Criteria: EGL Classification Definitions 2015. Collection method: clinical testing. Allele origin: germline.

Breakthrough Genomics
Classification: Benign. Review status: criteria provided, single submitter. Criteria: ACMG Guidelines, 2015. Collection method: not provided. Allele origin: germline. Inheritance: Autosomal recessive inheritance. Affected: yes.

NM_001379081.2(FREM1):c.3575G>A (p.Arg1192His)

Gene: FREM1 (FRAS1 related extracellular matrix 1; minus strand). Cytogenetic location: 9p22.3.
Variant type: single nucleotide variant.
Coding change: c.3575G>A on transcript NM_001379081.2 (MANE Select); coding-DNA position 3575, G replaced by A.
Protein change: p.Arg1192His; replaces arginine 1192 with histidine.
Molecular consequence: missense variant. On other transcripts: non-coding transcript variant (2).
Genome position (GRCh38, 1-based): chr9:14,801,771, C>T on the plus strand (G>A on the coding strand, the complement: FREM1 is on the minus strand). VCF-style: chr9-14801771-C-T. GRCh37 (hg19) VCF-style: chr9-14801769-C-T.
Other names: p.Arg1192His; c.3575G>A, p.Arg1192His (NM_144966.7); short protein forms R1192H.
Identifiers: ClinVar variation 281550 (VCV000281550.19), dbSNP rs79023327, ClinGen allele CA4990501.